The following is an entry in ClinVar:

ClinVar aggregate classification (germline): Likely benign (1 of 4 stars; one submission).

gnomAD v4.1: 87 of 1,613,534 alleles (0.0054%); highest among the groups gnomAD compares: Middle Eastern, 0.049%; no homozygotes.

Submission:

CeGaT Center for Human Genetics Tuebingen
Classification: Likely benign. Last evaluated: 2026-04-01. Review status: criteria provided, single submitter. Criteria: CeGaT Center For Human Genetics Tuebingen Variant Classification Criteria Version 2. Collection method: clinical testing. Allele origin: germline. Affected: yes. Observed: 1 variant allele.
Comment: MMEL1: BP4, BP7

NM_033467.4(MMEL1):c.1992C>T (p.Asp664=)

Gene: MMEL1 (membrane metalloendopeptidase like 1; minus strand). Cytogenetic location: 1p36.32.
Variant type: single nucleotide variant.
Coding change: c.1992C>T on transcript NM_033467.4 (MANE Select); coding-DNA position 1992, C replaced by T.
Protein change: p.Asp664=; no amino-acid change (aspartic acid 664 retained).
Molecular consequence: synonymous variant.
Genome position (GRCh38, 1-based): chr1:2,592,842, G>A on the plus strand (C>T on the coding strand, the complement: MMEL1 is on the minus strand). VCF-style: chr1-2592842-G-A. GRCh37 (hg19) VCF-style: chr1-2524281-G-A.
Identifiers: ClinVar variation 4872205 (VCV004872205.2).